The following is an entry in ClinVar:

ClinVar aggregate classification (germline): Benign/Likely benign. Review status: criteria provided, multiple submitters, no conflicts (2 of 4 stars). 2 submissions from 2 submitters: Benign (1); Likely benign (1). Last evaluated 2026-04-01.

Allele frequency attached by ClinVar (database versions not stated): TOPMed 0.00122; 1000 Genomes Project 0.00160; ESP Exome Variant Server 0.00167; 1000 Genomes Project 30x 0.00172; ExAC 0.00190; gnomAD 0.00329 and 0.00349; gnomAD exomes 0.00366.
gnomAD v4.1: 3,147 of 1,555,100 alleles (0.2%); highest among the groups gnomAD compares: African/African-American, 0.17%; 21 homozygotes.

Submissions (2):

CeGaT Center for Human Genetics Tuebingen
Classification: Likely benign. Last evaluated: 2026-04-01. Review status: criteria provided, single submitter. Criteria: CeGaT Center For Human Genetics Tuebingen Variant Classification Criteria Version 2. Collection method: clinical testing. Allele origin: germline. Affected: yes. Observed: 5 variant alleles.
Comment: PRKAR1B: BP4, BP7

Labcorp Genetics (formerly Invitae), Labcorp
Classification: Benign. Last evaluated: 2019-12-31. Review status: criteria provided, single submitter. Criteria: Invitae Variant Classification Sherloc (09022015). Collection method: clinical testing. Allele origin: germline.

NM_001164760.2(PRKAR1B):c.903C>T (p.Ser301=)

Gene: PRKAR1B (protein kinase cAMP-dependent type I regulatory subunit beta; minus strand). Cytogenetic location: 7p22.3.
Variant type: single nucleotide variant.
Coding change: c.903C>T on transcript NM_001164760.2 (MANE Select); coding-DNA position 903, C replaced by T.
Protein change: p.Ser301=; no amino-acid change (serine 301 retained).
Molecular consequence: synonymous variant.
Genome position (GRCh38, 1-based): chr7:551,459, G>A on the plus strand (C>T on the coding strand, the complement: PRKAR1B is on the minus strand). VCF-style: chr7-551459-G-A. GRCh37 (hg19) VCF-style: chr7-591096-G-A.
Other names: c.903C>T, p.Ser301= (NM_001164758.2, NM_001164759.1, NM_001164761.2 and 2 more transcripts).
Identifiers: ClinVar variation 719391 (VCV000719391.18), dbSNP rs78260651, ClinGen allele CA4109889.
Genomic context (GRCh38, chr7:551,459, plus strand): 5'-AGAGGGTCCCAGGCGCCCCACCTCCACGTACTCCTCATTGGGGGACCGGCGCTGCAGCAC[G>A]GACGCGGTGCCCTGTGGGTGGAGGTGGACAGACGTGAGTGCCAGCCAGGCGGGTGCAGGG-3'
Protein context (NP_001158232.1, residues 291-311): DFYIITEGTA[Ser301=]VLQRRSPNEE